The following is an entry in ClinVar:

NM_000243.3(MEFV):c.253G>A (p.Glu85Lys)

Gene: MEFV (MEFV innate immunity regulator, pyrin; minus strand). Cytogenetic location: 16p13.3.
Variant type: single nucleotide variant.
Coding change: c.253G>A on transcript NM_000243.3 (MANE Select); coding-DNA position 253, G replaced by A.
Protein change: p.Glu85Lys; replaces glutamic acid 85 with lysine.
Molecular consequence: missense variant.
Genome position (GRCh38, 1-based): chr16:3,256,335, C>T on the plus strand (G>A on the coding strand, the complement: MEFV is on the minus strand). VCF-style: chr16-3256335-C-T. GRCh37 (hg19) VCF-style: chr16-3306335-C-T.
Other names: c.253G>A, p.Glu85Lys (NM_001198536.2); short protein forms E85K.
Identifiers: ClinVar variation 3230737 (VCV003230737.1), dbSNP rs2543159351, ClinGen allele CA394483474.

ClinVar aggregate classification (germline): Uncertain significance (1 of 4 stars; one submission).

Conditions:
Inborn genetic diseases. Identifiers: MedGen C0950123, MeSH D030342.

Allele frequency attached by ClinVar (database versions not stated): gnomAD exomes below 0.00001.
gnomAD v4.1: 1 of 1,613,894 alleles (0.000062%); highest among the groups gnomAD compares: Non-Finnish European, 0.000085%; no homozygotes.

Submission:

Ambry Genetics
Classification: Uncertain significance for Inborn genetic diseases. Last evaluated: 2023-11-17. Review status: criteria provided, single submitter. Criteria: Ambry Variant Classification Scheme 2023. Collection method: clinical testing. Allele origin: germline.
Comment: The p.E85K variant (also known as c.253G>A), located in coding exon 1 of the MEFV gene, results from a G to A substitution at nucleotide position 253. The glutamic acid at codon 85 is replaced by lysine, an amino acid with similar properties. This amino acid position is conserved. In addition, in silico predictors for this gene do not accurately predict pathogenicity. Since supporting evidence is limited at this time, the clinical significance of this alteration remains unclear.